The following is an entry in ClinVar:

ClinVar aggregate classification (germline): Uncertain significance. Review status: criteria provided, multiple submitters, no conflicts (2 of 4 stars). 2 submissions from 2 submitters: Uncertain significance (2). Last evaluated 2025-02-16.

Allele frequency attached by ClinVar (database versions not stated): gnomAD 0.00001; gnomAD exomes 0.00001 and 0.00003; ExAC 0.00002; TOPMed 0.00003.
gnomAD v4.1: 39 of 1,613,758 alleles (0.0024%); highest among the groups gnomAD compares: African/African-American, 0.0067%; no homozygotes.

Submissions (2):

Labcorp Genetics (formerly Invitae), Labcorp
Classification: Uncertain significance. Last evaluated: 2025-02-16. Review status: criteria provided, single submitter. Criteria: Invitae Variant Classification Sherloc (09022015). Collection method: clinical testing. Allele origin: germline.
Comment: This sequence change replaces threonine, which is neutral and polar, with methionine, which is neutral and non-polar, at codon 134 of the UNC119 protein (p.Thr134Met). This variant is present in population databases (rs780859514, gnomAD 0.003%). This variant has not been reported in the literature in individuals affected with UNC119-related conditions. ClinVar contains an entry for this variant (Variation ID: 1041789). An algorithm developed to predict the effect of missense changes on protein structure and function (PolyPhen-2) suggests that this variant is likely to be disruptive. In summary, the available evidence is currently insufficient to determine the role of this variant in disease. Therefore, it has been classified as a Variant of Uncertain Significance.

Ambry Genetics
Classification: Uncertain significance. Last evaluated: 2023-04-25. Review status: criteria provided, single submitter. Criteria: Ambry Variant Classification Scheme 2023. Collection method: clinical testing. Allele origin: germline.

NM_005148.4(UNC119):c.401C>T (p.Thr134Met)

Gene: UNC119 (unc-119 lipid binding chaperone; minus strand). Cytogenetic location: 17q11.2.
Variant type: single nucleotide variant.
Coding change: c.401C>T on transcript NM_005148.4 (MANE Select); coding-DNA position 401, C replaced by T.
Protein change: p.Thr134Met; replaces threonine 134 with methionine.
Molecular consequence: missense variant.
Genome position (GRCh38, 1-based): chr17:28,548,035, G>A on the plus strand (C>T on the coding strand, the complement: UNC119 is on the minus strand). VCF-style: chr17-28548035-G-A. GRCh37 (hg19) VCF-style: chr17-26875053-G-A.
Other names: c.401C>T (NM_005148.3); c.116C>T, p.Thr39Met (NM_001330166.2); c.401C>T, p.Thr134Met (NM_054035.2); short protein forms T134M, T39M.
Identifiers: ClinVar variation 1041789 (VCV001041789.7), dbSNP rs780859514, ClinGen allele CA8459811.